The following is an entry in ClinVar:

ClinVar aggregate classification (germline): Uncertain significance (1 of 4 stars; one submission).

Conditions:
Congenital adrenal hyperplasia due to cytochrome P450 oxidoreductase deficiency. Also called: DISORDERED STEROIDOGENESIS DUE TO POR DEFICIENCY. Identifiers: Orphanet 95699, MedGen C1860042, MONDO:0013310, OMIM 613571.

Allele frequency attached by ClinVar (database versions not stated): ExAC 0.00001; gnomAD 0.00001; gnomAD exomes 0.00001.
gnomAD v4.1: 11 of 1,610,412 alleles (0.00068%); highest among the groups gnomAD compares: South Asian, 0.012%; no homozygotes.

Submission:

Labcorp Genetics (formerly Invitae), Labcorp
Classification: Uncertain significance for Congenital adrenal hyperplasia due to cytochrome P450 oxidoreductase deficiency. Last evaluated: 2021-10-07. Review status: criteria provided, single submitter. Criteria: Invitae Variant Classification Sherloc (09022015). Collection method: clinical testing. Allele origin: germline.
Comment: In summary, the available evidence is currently insufficient to determine the role of this variant in disease. Therefore, it has been classified as a Variant of Uncertain Significance. Algorithms developed to predict the effect of missense changes on protein structure and function (SIFT, PolyPhen-2, Align-GVGD) all suggest that this variant is likely to be tolerated. This sequence change replaces threonine with alanine at codon 58 of the POR protein (p.Thr58Ala). The threonine residue is moderately conserved and there is a small physicochemical difference between threonine and alanine. This variant is present in population databases (rs781793249, ExAC 0.008%). This variant has not been reported in the literature in individuals affected with POR-related conditions.

NM_001395413.1(POR):c.163A>G (p.Thr55Ala)

Gene: POR (cytochrome p450 oxidoreductase; plus strand). Cytogenetic location: 7q11.23.
Variant type: single nucleotide variant.
Coding change: c.163A>G on transcript NM_001395413.1 (MANE Select); coding-DNA position 163, A replaced by G.
Protein change: p.Thr55Ala; replaces threonine 55 with alanine.
Molecular consequence: missense variant.
Genome position (GRCh38, 1-based): chr7:75,954,164, A>G. VCF-style: chr7-75954164-A-G. GRCh37 (hg19) VCF-style: chr7-75583482-A-G.
Other names: c.163A>G, p.Thr55Ala (NM_001367562.3, NM_001382655.3, NM_001382657.2 and 3 more transcripts); short protein forms T55A.
Identifiers: ClinVar variation 1522371 (VCV001522371.6), dbSNP rs781793249, ClinGen allele CA4303470.